The following is an entry in ClinVar:

NM_198076.6(COX20):c.-10A>T

Gene: COX20 (cytochrome c oxidase assembly factor COX20; plus strand). Cytogenetic location: 1q44.
Variant type: single nucleotide variant.
Coding change: c.-10A>T on transcript NM_198076.6 (MANE Select); 10 bases upstream of the start codon, A replaced by T.
Molecular consequence: 5 prime UTR variant. On other transcripts: non-coding transcript variant (3).
Genome position (GRCh38, 1-based): chr1:244,835,705, A>T. VCF-style: chr1-244835705-A-T. GRCh37 (hg19) VCF-style: chr1-244999007-A-T.
Other names: c.-10A>T (NM_001312871.1, NM_001312872.1, NM_001312873.1 and 1 more transcripts).
Identifiers: ClinVar variation 379647 (VCV000379647.1), dbSNP rs887727938, ClinGen allele CA16603674.

ClinVar aggregate classification (germline): Likely benign (1 of 4 stars; one submission).

Allele frequency attached by ClinVar (database versions not stated): gnomAD 0.00006 and 0.00007; TOPMed 0.00010; gnomAD exomes 0.00022.
gnomAD v4.1: 248 of 1,260,258 alleles (0.02%); highest among the groups gnomAD compares: Non-Finnish European, 0.024%; no homozygotes.

Submission:

GeneDx
Classification: Likely benign. Last evaluated: 2016-06-21. Review status: criteria provided, single submitter. Criteria: GeneDx Variant Classification (06012015). Collection method: clinical testing. Allele origin: germline. Affected: yes.
Comment: This variant is considered likely benign or benign based on one or more of the following criteria: it is a conservative change, it occurs at a poorly conserved position in the protein, it is predicted to be benign by multiple in silico algorithms, and/or has population frequency not consistent with disease.